The following is an entry in ClinVar:

NM_181507.2(HPS5):c.2620A>G (p.Ile874Val)

Gene: HPS5 (HPS5 biogenesis of lysosomal organelles complex 2 subunit 2; minus strand). Cytogenetic location: 11p15.1.
Variant type: single nucleotide variant.
Coding change: c.2620A>G on transcript NM_181507.2 (MANE Select); coding-DNA position 2620, A replaced by G.
Protein change: p.Ile874Val; replaces isoleucine 874 with valine.
Molecular consequence: missense variant.
Genome position (GRCh38, 1-based): chr11:18,287,632, T>C on the plus strand (A>G on the coding strand, the complement: HPS5 is on the minus strand). VCF-style: chr11-18287632-T-C. GRCh37 (hg19) VCF-style: chr11-18309179-T-C.
Other names: c.2278A>G, p.Ile760Val (NM_007216.4, NM_181508.2); short protein forms I760V, I874V.
Identifiers: ClinVar variation 3366444 (VCV003366444.1).
Genomic context (GRCh38, chr11:18,287,632, plus strand): 5'-AATAGGCCAAAAACTCAGCAGGATGATGATGACAAAGTTGTATGATATCCGATGGCAAAA[T>C]GGATGGAAAGAACTTGATTAAGGATCGAAGAGCAGACTCCCCAAACTTTTCATACAACCT-3'
Protein context (NP_852608.1, residues 864-884): LRSLIKFFPS[Ile874Val]LPSDIIQLCH

ClinVar aggregate classification (germline): Uncertain significance (1 of 4 stars; one submission).

Submission:

Women's Health and Genetics/Laboratory Corporation of America, LabCorp
Classification: Uncertain significance. Last evaluated: 2024-08-07. Review status: criteria provided, single submitter. Criteria: LabCorp Variant Classification Summary - May 2015. Collection method: clinical testing. Allele origin: germline.
Comment: Variant summary: HPS5 c.2620A>G (p.Ile874Val) results in a conservative amino acid change in the encoded protein sequence. Four of five in-silico tools predict a benign effect of the variant on protein function. The variant was absent in 251426 control chromosomes (gnomAD). The available data on variant occurrences in the general population are insufficient to allow any conclusion about variant significance. To our knowledge, no occurrence of c.2620A>G in individuals affected with Hermansky-Pudlak Syndrome and no experimental evidence demonstrating its impact on protein function have been reported. No submitters have cited clinical-significance assessments for this variant to ClinVar. Based on the evidence outlined above, the variant was classified as uncertain significance.